The following is an entry in ClinVar:

ClinVar aggregate classification (germline): Uncertain significance. Review status: criteria provided, multiple submitters, no conflicts (2 of 4 stars). 2 submissions from 2 submitters: Uncertain significance (2). Last evaluated 2024-04-04.

Conditions:
Infantile cerebellar-retinal degeneration (ICRD). Identifiers: Orphanet 313850, MedGen C3281192, MONDO:0013802, OMIM 614559.
ACO2-related disorder. Also called: ACO2-Related Disorders.

Allele frequency attached by ClinVar (database versions not stated): gnomAD exomes below 0.00001 and 0.00001; TOPMed below 0.00001.
gnomAD v4.1: 7 of 1,613,768 alleles (0.00043%); highest among the groups gnomAD compares: Non-Finnish European, 0.00051%; no homozygotes.

Submissions (2):

Genomic Medicine Center of Excellence, King Faisal Specialist Hospital and Research Centre
Classification: Uncertain significance for Infantile cerebellar-retinal degeneration. Last evaluated: 2024-04-04. Review status: criteria provided, single submitter. Criteria: ACMG Guidelines, 2015. Collection method: clinical testing. Allele origin: germline.

Labcorp Genetics (formerly Invitae), Labcorp
Classification: Uncertain significance. Last evaluated: 2023-12-04. Review status: criteria provided, single submitter. Criteria: Invitae Variant Classification Sherloc (09022015). Collection method: clinical testing. Allele origin: germline.
Comment: This sequence change replaces asparagine, which is neutral and polar, with serine, which is neutral and polar, at codon 197 of the ACO2 protein (p.Asn197Ser). This variant is present in population databases (no rsID available, gnomAD 0.0009%). This missense change has been observed in individual(s) with clinical features of autosomal recessive ACO2-related conditions (PMID: 30689204). ClinVar contains an entry for this variant (Variation ID: 441076). Advanced modeling of protein sequence and biophysical properties (such as structural, functional, and spatial information, amino acid conservation, physicochemical variation, residue mobility, and thermodynamic stability) performed at Invitae indicates that this missense variant is expected to disrupt ACO2 protein function with a positive predictive value of 80%. In summary, the available evidence is currently insufficient to determine the role of this variant in disease. Therefore, it has been classified as a Variant of Uncertain Significance.

Literature cited by the submitters: PubMed 30689204 (cited by Labcorp Genetics (formerly Invitae), Labcorp).

NM_001098.3(ACO2):c.590A>G (p.Asn197Ser)

Gene: ACO2 (aconitase 2; plus strand). Cytogenetic location: 22q13.2.
Variant type: single nucleotide variant.
Coding change: c.590A>G on transcript NM_001098.3 (MANE Select); coding-DNA position 590, A replaced by G.
Protein change: p.Asn197Ser; replaces asparagine 197 with serine.
Molecular consequence: missense variant.
Genome position (GRCh38, 1-based): chr22:41,515,441, A>G. VCF-style: chr22-41515441-A-G. GRCh37 (hg19) VCF-style: chr22-41911445-A-G.
Other names: short protein forms N197S.
Identifiers: ClinVar variation 441076 (VCV000441076.6), dbSNP rs1034483010, ClinGen allele CA324568835.